The following is an entry in ClinVar:

NM_001367721.1(CASK):c.2039+1G>A

Gene: CASK (calcium/calmodulin dependent serine protein kinase; minus strand). Cytogenetic location: Xp11.4.
Variant type: single nucleotide variant.
Coding change: c.2039+1G>A on transcript NM_001367721.1 (MANE Select); the canonical splice donor site of the intron after coding-DNA position 2039, G replaced by A.
Molecular consequence: splice donor variant.
Genome position (GRCh38, 1-based): chrX:41,553,718, C>T on the plus strand (G>A on the coding strand, the complement: CASK is on the minus strand). VCF-style: chrX-41553718-C-T. GRCh37 (hg19) VCF-style: chrX-41412971-C-T.
Other names: c.1952+1G>A (NM_001126055.3); c.2021+1G>A (NM_001410745.1); c.1970+1G>A (NM_001126054.3); c.2039+1G>A (NM_003688.4).
Identifiers: ClinVar variation 1699292 (VCV001699292.3), dbSNP rs2147138207, ClinGen allele CA412992519.

ClinVar aggregate classification (germline): Pathogenic (1 of 4 stars; one submission).

Conditions:
X-linked syndromic intellectual disability. Also called: Intellectual developmental disorder, X-linked syndromic; X-linked mental retardation, syndromic. Identifiers: MedGen CN228426, MONDO:0020119.

Submission:

Victorian Clinical Genetics Services, Murdoch Childrens Research Institute
Classification: Pathogenic for X-linked syndromic intellectual disability. Last evaluated: 2022-03-31. Review status: criteria provided, single submitter. Criteria: ACMG Guidelines, 2015. Collection method: clinical testing. Allele origin: germline. Inheritance: X-linked dominant inheritance. Affected: yes.
Comment: Based on the classification scheme VCGS_Germline_v1.3.4, this variant is classified as Pathogenic. Following criteria are met: 0102 - Loss of function is a known mechanism of disease in this gene and is associated with FG syndrome 4 (MIM#300422), intellectual developmental disorder and microcephaly with pontine and cerebellar hypoplasia (MIM#300749) and intellectual disability with or without nystagmus (MIM#300422). (I) 0110 - This gene is associated with X-linked dominant disease. (I) 0211 - Canonical splice site variant without proven consequence on splicing (no functional evidence available). (SP) 0251 - This variant is heterozygous. (I) 0301 - Variant is absent from gnomAD (both v2 and v3). (SP) 0505 - Abnormal splicing is predicted by in silico tools and affected nucleotide is highly conserved. (SP) 0703 - Two other canonical splice site variants comparable to the one identified in this case have moderate previous evidence for pathogenicity. One alternative change, c.2039+1del, has been reported as likely pathogenic in ClinVar, and c.2039+1G>T, has been reported de novo in an individual with pontocerebellar hypoplasia (PMID: 22452838). (SP) 0807 - This variant has no previous evidence of pathogenicity. (I) 0905 - No published segregation evidence has been identified for this variant. (I) 1007 - No published functional evidence has been identified for this variant. (SP) Legend: (SP) - Supporting pathogenic, (I) - Information, (SB) - Supporting benign

Literature cited by the submitters: PubMed 22452838.